The following is an entry in ClinVar:

NM_021098.3(CACNA1H):c.6388C>T (p.Arg2130Trp)

Gene: CACNA1H (calcium voltage-gated channel subunit alpha1 H; plus strand). Cytogenetic location: 16p13.3.
Variant type: single nucleotide variant.
Coding change: c.6388C>T on transcript NM_021098.3 (MANE Select); coding-DNA position 6388, C replaced by T.
Protein change: p.Arg2130Trp; replaces arginine 2130 with tryptophan.
Molecular consequence: missense variant.
Genome position (GRCh38, 1-based): chr16:1,220,320, C>T. VCF-style: chr16-1220320-C-T. GRCh37 (hg19) VCF-style: chr16-1270320-C-T.
Other names: c.6370C>T, p.Arg2124Trp (NM_001005407.2); short protein forms R2130W, R2124W.
Identifiers: ClinVar variation 1369928 (VCV001369928.9), dbSNP rs771195242, ClinGen allele CA7802342.
Genomic context (GRCh38, chr16:1,220,320, plus strand): 5'-CCCTGGCAGCCCACAGCCGAGCCCCATGGCCCCGAAGCCTCTCCGGTGGCCGGCGGCGAG[C>T]GGGACCTGCGCAGGCTCTACAGCGTGGATGCTCAGGGCTTCCTGGACAAGCCGGGCCGGG-3'
Protein context (NP_066921.2, residues 2120-2140): PEASPVAGGE[Arg2130Trp]DLRRLYSVDA

ClinVar aggregate classification (germline): Uncertain significance. Review status: criteria provided, multiple submitters, no conflicts (2 of 4 stars). 2 submissions from 2 submitters: Uncertain significance (2). Last evaluated 2025-12-01.

Conditions:
Epilepsy, childhood absence, susceptibility to, 6. Identifiers: Orphanet 64280, MedGen C2749872, MONDO:0012763, OMIM 611942.
Hyperaldosteronism, familial, type IV (HALD4). Also called: ALDOSTERONISM, PRIMARY, AND HYPERTENSION; FH IV. Identifiers: Orphanet 642671, MedGen C4310756, MONDO:0014875, OMIM 617027.
Idiopathic generalized epilepsy. Also called: Generalised epilepsy; EIG. Identifiers: MedGen C0270850, MONDO:0005579, OMIM 600669.

Allele frequency attached by ClinVar (database versions not stated): ExAC 0.00003; gnomAD 0.00006.
gnomAD v4.1: 29 of 1,556,884 alleles (0.0019%); highest among the groups gnomAD compares: Middle Eastern, 0.017%; no homozygotes.

Submissions (2):

Labcorp Genetics (formerly Invitae), Labcorp
Classification: Uncertain significance for Idiopathic generalized epilepsy; Hyperaldosteronism, familial, type IV. Last evaluated: 2025-12-01. Review status: criteria provided, single submitter. Criteria: Invitae Variant Classification Sherloc (09022015). Collection method: clinical testing. Allele origin: germline.
Comment: This sequence change replaces arginine, which is basic and polar, with tryptophan, which is neutral and slightly polar, at codon 2130 of the CACNA1H protein (p.Arg2130Trp). The frequency data for this variant in the population databases is considered unreliable, as metrics indicate poor data quality at this position in the gnomAD database. This variant has not been reported in the literature in individuals affected with CACNA1H-related conditions. ClinVar contains an entry for this variant (Variation ID: 1369928). Invitae Evidence Modeling of protein sequence and biophysical properties (such as structural, functional, and spatial information, amino acid conservation, physicochemical variation, residue mobility, and thermodynamic stability) indicates that this missense variant is not expected to disrupt CACNA1H protein function with a negative predictive value of 80%. In summary, the available evidence is currently insufficient to determine the role of this variant in disease. Therefore, it has been classified as a Variant of Uncertain Significance.

Fulgent Genetics
Classification: Uncertain significance for Epilepsy, childhood absence, susceptibility to, 6; Hyperaldosteronism, familial, type IV. Last evaluated: 2022-04-19. Review status: criteria provided, single submitter. Criteria: ACMG Guidelines, 2015. Collection method: clinical testing. Allele origin: unknown.